The following is an entry in ClinVar:

NM_018100.4(EFHC1):c.210A>G (p.Pro70=)

Gene: EFHC1 (EF-hand domain containing 1; plus strand). Cytogenetic location: 6p12.2.
Variant type: single nucleotide variant.
Coding change: c.210A>G on transcript NM_018100.4 (MANE Select); coding-DNA position 210, A replaced by G.
Protein change: p.Pro70=; no amino-acid change (proline 70 retained).
Molecular consequence: synonymous variant. On other transcripts: non-coding transcript variant (1).
Genome position (GRCh38, 1-based): chr6:52,424,092, A>G. VCF-style: chr6-52424092-A-G. GRCh37 (hg19) VCF-style: chr6-52288890-A-G.
Other names: p.P70P:CCA>CCG; c.153A>G, p.Pro51= (NM_001172420.2).
Identifiers: ClinVar variation 137194 (VCV000137194.14), dbSNP rs145367062, ClinGen allele CA290711.

ClinVar aggregate classification (germline): Benign/Likely benign. Review status: criteria provided, multiple submitters, no conflicts (2 of 4 stars). 3 submissions from 3 submitters: Benign (2); Likely benign (1). Last evaluated 2025-10-12.

Conditions:
Myoclonic epilepsy, juvenile, susceptibility to, 1. Also called: Myoclonic Epilepsy, Juvenile, 1; EJM1. Identifiers: MedGen C1850778, MONDO:0020752, OMIM 254770.
Absence seizure. Also called: Absence epilepsy. Identifiers: Orphanet 1941, MedGen C0014553.

Allele frequency attached by ClinVar (database versions not stated): gnomAD exomes 0.00035 and 0.00102; ExAC 0.00105; 1000 Genomes Project 0.00300; 1000 Genomes Project 30x 0.00312; ESP Exome Variant Server 0.00331; gnomAD 0.00354 and 0.00385; TOPMed 0.00404.
gnomAD v4.1: 1,092 of 1,614,190 alleles (0.068%); highest among the groups gnomAD compares: African/African-American, 1.2%; 5 homozygotes.

Submissions (3):

Labcorp Genetics (formerly Invitae), Labcorp
Classification: Benign for Myoclonic epilepsy, juvenile, susceptibility to, 1; Absence seizure. Last evaluated: 2025-10-12. Review status: criteria provided, single submitter. Criteria: Invitae Variant Classification Sherloc (09022015). Collection method: clinical testing. Allele origin: germline.

Blueprint Genetics
Classification: Likely benign. Last evaluated: 2024-11-25. Review status: criteria provided, single submitter. Criteria: ACMG Guidelines, 2015. Collection method: clinical testing. Allele origin: germline.

GeneDx
Classification: Benign. Last evaluated: 2013-02-28. Review status: criteria provided, single submitter. Criteria: GeneDx Variant Classification (06012015). Collection method: clinical testing. Allele origin: germline. Affected: yes.
Comment: This variant is considered likely benign or benign based on one or more of the following criteria: it is a conservative change, it occurs at a poorly conserved position in the protein, it is predicted to be benign by multiple in silico algorithms, and/or has population frequency not consistent with disease.